The following is an entry in ClinVar:

ClinVar aggregate classification (germline): Likely pathogenic (1 of 4 stars; one submission).

Conditions:
Acromesomelic dysplasia 1, Maroteaux type (AMD1). Also called: ST. HELENA DYSPLASIA; ACROMESOMELIC DYSPLASIA 1. Identifiers: Orphanet 40, MedGen C1864356, MONDO:0011275, OMIM 602875.

Submission:

Laboratory of Medical Genetics, National & Kapodistrian University of Athens
Classification: Likely pathogenic for Acromesomelic dysplasia 1, Maroteaux type. Last evaluated: 2021-08-10. Review status: criteria provided, single submitter. Criteria: ACMG Guidelines, 2015. Collection method: clinical testing. Allele origin: unknown. Affected: yes.
Comment: PM1, PM2, PP2, PP3

Literature cited by the submitters: PubMed 34008892.

NM_003995.4(NPR2):c.2065C>T (p.Pro689Ser)

Gene: NPR2 (natriuretic peptide receptor 2; plus strand). Cytogenetic location: 9p13.3.
Variant type: single nucleotide variant.
Coding change: c.2065C>T on transcript NM_003995.4 (MANE Select); coding-DNA position 2065, C replaced by T.
Protein change: p.Pro689Ser; replaces proline 689 with serine.
Molecular consequence: missense variant.
Genome position (GRCh38, 1-based): chr9:35,805,847, C>T. VCF-style: chr9-35805847-C-T. GRCh37 (hg19) VCF-style: chr9-35805844-C-T.
Other names: c.2074C>T, p.Pro692Ser (NM_001378923.1); short protein forms P689S, P692S.
Identifiers: ClinVar variation 1299528 (VCV001299528.1), dbSNP rs2132090317, ClinGen allele CA373378179.